The following is an entry in ClinVar:

NM_001365088.1(SLC12A6):c.1242A>G (p.Gln414=)

Gene: SLC12A6 (solute carrier family 12 member 6; minus strand). Cytogenetic location: 15q14.
Variant type: single nucleotide variant.
Coding change: c.1242A>G on transcript NM_001365088.1 (MANE Select); coding-DNA position 1242, A replaced by G.
Protein change: p.Gln414=; no amino-acid change (glutamine 414 retained).
Molecular consequence: synonymous variant.
Genome position (GRCh38, 1-based): chr15:34,252,261, T>C on the plus strand (A>G on the coding strand, the complement: SLC12A6 is on the minus strand). VCF-style: chr15-34252261-T-C. GRCh37 (hg19) VCF-style: chr15-34544462-T-C.
Other names: c.1065A>G, p.Gln355= (NM_001042494.2, NM_001042495.2); c.1215A>G, p.Gln405= (NM_001042496.2); c.1197A>G, p.Gln399= (NM_001042497.2); c.1089A>G, p.Gln363= (NM_005135.2); c.1242A>G, p.Gln414= (NM_133647.2).
Identifiers: ClinVar variation 991878 (VCV000991878.42), dbSNP rs1464322097, ClinGen allele CA489407907.

ClinVar aggregate classification (germline): Likely benign. Review status: criteria provided, multiple submitters, no conflicts (2 of 4 stars). 4 submissions from 4 submitters: Likely benign (3). 1 of the submissions does not count toward it. Last evaluated 2026-01-26.

Conditions:
Agenesis of the corpus callosum with peripheral neuropathy (ACCPN). Also called: HMSN/ACC; CHARLEVOIX DISEASE; POLYNEUROPATHY, SENSORIMOTOR, WITH OR WITHOUT AGENESIS OF THE CORPUS CALLOSUM; Hereditary Motor and Sensory Neuropathy with Agenesis of the Corpus Callosum. Identifiers: Orphanet 1496, MedGen C0795950, MONDO:0000902, OMIM 218000. Disease mechanism: loss of function.

Allele frequency attached by ClinVar (database versions not stated): gnomAD exomes 0.00001; gnomAD 0.00002 and 0.00003; TOPMed 0.00002.
gnomAD v4.1: 22 of 1,607,852 alleles (0.0014%); highest among the groups gnomAD compares: African/African-American, 0.0027%; no homozygotes.

Submissions (4):

Labcorp Genetics (formerly Invitae), Labcorp
Classification: Likely benign. Last evaluated: 2026-01-26. Review status: criteria provided, single submitter. Criteria: Invitae Variant Classification Sherloc (09022015). Collection method: clinical testing. Allele origin: germline.

Women's Health and Genetics/Laboratory Corporation of America, LabCorp
Classification: Likely benign. Last evaluated: 2025-04-03. Review status: criteria provided, single submitter. Criteria: LabCorp Variant Classification Summary - May 2015. Collection method: clinical testing. Allele origin: germline.

CeGaT Center for Human Genetics Tuebingen
Classification: Likely benign. Last evaluated: 2022-05-01. Review status: criteria provided, single submitter. Criteria: CeGaT Center For Human Genetics Tuebingen Variant Classification Criteria Version 2. Collection method: clinical testing. Allele origin: germline. Affected: yes. Observed: 1 variant allele.
Comment: SLC12A6: BP4, BP7

Natera, Inc.
Classification: Uncertain significance for Andermann syndrome. Last evaluated: 2020-04-18. Review status: no assertion criteria provided. Collection method: clinical testing. Allele origin: germline. Not counted in ClinVar's aggregate classification.